The following is an entry in ClinVar:

NM_018122.5(DARS2):c.1619C>G (p.Ser540Ter)

Gene: DARS2 (aspartyl-tRNA synthetase 2, mitochondrial; plus strand). Cytogenetic location: 1q25.1.
Variant type: single nucleotide variant.
Coding change: c.1619C>G on transcript NM_018122.5 (MANE Select); coding-DNA position 1619, C replaced by G.
Protein change: p.Ser540Ter; replaces serine 540 with a stop codon.
Molecular consequence: nonsense.
Genome position (GRCh38, 1-based): chr1:173,853,850, C>G. VCF-style: chr1-173853850-C-G. GRCh37 (hg19) VCF-style: chr1-173822988-C-G.
Other names: NM_018122.5:c.1619C>G; c.1466C>G, p.Ser489Ter (NM_001365212.1); short protein forms S489*, S540*.
Identifiers: ClinVar variation 3776826 (VCV003776826.1).
Genomic context (GRCh38, chr1:173,853,850, plus strand): 5'-TCTAGGCCCGTAGCCAACACTATGACTTGGTTTTAAATGGCAATGAAATAGGAGGTGGTT[C>G]AATTCGAATTCACAATGCAGAGCTGCAGCGTTATATCCTGGCAACCTTACTAAAGGTAAC-3'

ClinVar aggregate classification (germline): Likely pathogenic (1 of 4 stars; one submission).

Conditions:
Leukoencephalopathy with brain stem and spinal cord involvement-high lactate syndrome (LBSL). Also called: Leukoencephalopathy with Brainstem and Spinal Cord Involvement and Lactate Elevation; MITOCHONDRIAL ASPARTYL-tRNA SYNTHETASE DEFICIENCY; LEUKOENCEPHALOPATHY WITH BRAINSTEM AND SPINAL CORD INVOLVEMENT AND LACTATE ELEVATION, MILD. Identifiers: Orphanet 137898, MedGen C1970180, MONDO:0012622, OMIM 611105.

gnomAD v4.1: 1 of 1,614,162 alleles (0.000062%); no homozygotes.

Submission:

Broad Center for Mendelian Genomics, Broad Institute of MIT and Harvard
Classification: Likely pathogenic for Leukoencephalopathy with brain stem and spinal cord involvement-high lactate syndrome. Last evaluated: 2025-01-21. Review status: criteria provided, single submitter. Criteria: ACMG Guidelines, 2015. Collection method: curation. Allele origin: germline. Inheritance: Autosomal recessive inheritance.
Comment: The p.Ser540Ter variant in DARS2 has been reported in one individual with leukoencephalopathy with brain stem and spinal cord involvement-high lactate syndrome (PMID: 24566671), and has been identified in 0.002% (1/62512) of remaining chromosomes by the Genome Aggregation Database (gnomAD). Although this variant has been seen in the general population in a heterozygous state, its frequency is low enough to be consistent with a recessive carrier frequency. This nonsense variant leads to a premature termination codon at position 540, which is predicted to lead to a truncated or absent protein. Loss of function of the DARS2 gene is an established disease mechanism in autosomal recessive leukoencephalopathy with brain stem and spinal cord involvement-high lactate syndrome. In summary, although additional studies are required to fully establish its clinical significance, this variant is likely pathogenic for autosomal recessive leukoencephalopathy with brain stem and spinal cord involvement-high lactate syndrome. ACMG/AMP Criteria applied: PVS1, PM2_supporting (Richards 2015).